The following is an entry in ClinVar:

ClinVar aggregate classification (germline): Uncertain significance (1 of 4 stars; one submission).

Conditions:
Lower motor neuron syndrome with late-adult onset (SMAJ). Also called: Spinal muscular atrophy, Jokela type; Late-Onset Spinal Motor Neuronopathy (SMAJ). Identifiers: Orphanet 276435, MedGen C3554398, MONDO:0014025, OMIM 615048.
Frontotemporal dementia and/or amyotrophic lateral sclerosis 2. Also called: FTDALS2. Identifiers: Orphanet 275872, MedGen C4014648, MONDO:0014395, OMIM 615911.
Autosomal dominant mitochondrial myopathy with exercise intolerance (IMMD). Also called: Myopathy, isolated mitochondrial, autosomal dominant. Identifiers: Orphanet 457050, MedGen C4015513, MONDO:0014532, OMIM 616209.

Submission:

Labcorp Genetics (formerly Invitae), Labcorp
Classification: Uncertain significance for Lower motor neuron syndrome with late-adult onset; Frontotemporal dementia and/or amyotrophic lateral sclerosis 2; Autosomal dominant mitochondrial myopathy with exercise intolerance. Last evaluated: 2021-10-02. Review status: criteria provided, single submitter. Criteria: Invitae Variant Classification Sherloc (09022015). Collection method: clinical testing. Allele origin: germline.
Comment: In summary, the available evidence is currently insufficient to determine the role of this variant in disease. Therefore, it has been classified as a Variant of Uncertain Significance. Algorithms developed to predict the effect of missense changes on protein structure and function are either unavailable or do not agree on the potential impact of this missense change (SIFT: "Deleterious"; PolyPhen-2: "Not Available"; Align-GVGD: "Class C0"). This variant has not been reported in the literature in individuals affected with CHCHD10-related conditions. The frequency data for this variant in the population databases is considered unreliable, as metrics indicate insufficient coverage at this position in the ExAC database. This sequence change replaces serine with leucine at codon 39 of the CHCHD10 protein (p.Ser39Leu). The serine residue is weakly conserved and there is a large physicochemical difference between serine and leucine.

NM_213720.3(CHCHD10):c.116C>T (p.Ser39Leu)

Gene: CHCHD10 (coiled-coil-helix-coiled-coil-helix domain containing 10; minus strand). Cytogenetic location: 22q11.23.
Variant type: single nucleotide variant.
Coding change: c.116C>T on transcript NM_213720.3 (MANE Select); coding-DNA position 116, C replaced by T.
Protein change: p.Ser39Leu; replaces serine 39 with leucine.
Molecular consequence: missense variant. On other transcripts: non-coding transcript variant (1).
Genome position (GRCh38, 1-based): chr22:23,767,519, G>A on the plus strand (C>T on the coding strand, the complement: CHCHD10 is on the minus strand). VCF-style: chr22-23767519-G-A. GRCh37 (hg19) VCF-style: chr22-24109706-G-A.
Other names: c.116C>T, p.Ser39Leu (NM_001301339.2); short protein forms S39L.
Identifiers: ClinVar variation 1522271 (VCV001522271.6), dbSNP rs1569151061, ClinGen allele CA410916658.
Genomic context (GRCh38, chr22:23,767,519, plus strand): 5'-GAGCCCACGGCTACCCCTGCGGCCGTGGTCGCCATCTGAGCCATGAGCCCCGGCTGGCCC[G>A]AAGGGGCGGGGGCTGGGGCGGCTGCCGAGGGCGGTGGGTGCGCGGGCGGGTGGGCAGAGG-3'
Protein context (NP_998885.1, residues 29-49): PSAAAPAPAP[Ser39Leu]GQPGLMAQMA